The following is an entry in ClinVar:

NM_001105206.3(LAMA4):c.2305T>C (p.Phe769Leu)

Gene: LAMA4 (laminin subunit alpha 4; minus strand). Cytogenetic location: 6q21.
Variant type: single nucleotide variant.
Coding change: c.2305T>C on transcript NM_001105206.3 (MANE Select); coding-DNA position 2305, T replaced by C.
Protein change: p.Phe769Leu; replaces phenylalanine 769 with leucine.
Molecular consequence: missense variant.
Genome position (GRCh38, 1-based): chr6:112,148,205, A>G on the plus strand (T>C on the coding strand, the complement: LAMA4 is on the minus strand). VCF-style: chr6-112148205-A-G. GRCh37 (hg19) VCF-style: chr6-112469407-A-G.
Other names: c.2284T>C (NM_002290.4); c.2284T>C, p.Phe762Leu (NM_001105207.3, NM_002290.5); short protein forms F762L, F769L.
Identifiers: ClinVar variation 518371 (VCV000518371.8), dbSNP rs1554334959, ClinGen allele CA365383501.

ClinVar aggregate classification (germline): Uncertain significance. Review status: criteria provided, multiple submitters, no conflicts (2 of 4 stars). 6 submissions from 6 submitters: Uncertain significance (4). 2 of the submissions do not count toward it. Last evaluated 2026-03-02.

Conditions:
Dilated cardiomyopathy 1JJ (CMD1JJ). Identifiers: Orphanet 154, MedGen C3808935, MONDO:0014095, OMIM 615235.
Cardiovascular phenotype. Identifiers: MedGen CN230736.

Allele frequency attached by ClinVar (database versions not stated): gnomAD exomes below 0.00001; gnomAD 0.00001.
gnomAD v4.1: 4 of 1,614,060 alleles (0.00025%); highest among the groups gnomAD compares: Non-Finnish European, 0.00034%; no homozygotes.

Submissions (6):

Women's Health and Genetics/Laboratory Corporation of America, LabCorp
Classification: Uncertain significance. Last evaluated: 2026-03-02. Review status: criteria provided, single submitter. Criteria: LabCorp Variant Classification Summary - May 2015. Collection method: clinical testing. Allele origin: germline.

Fulgent Genetics
Classification: Uncertain significance for Dilated cardiomyopathy 1JJ. Last evaluated: 2021-07-09. Review status: criteria provided, single submitter. Criteria: ACMG Guidelines, 2015. Collection method: clinical testing. Allele origin: unknown.

Ambry Genetics
Classification: Uncertain significance for Cardiovascular phenotype. Last evaluated: 2021-05-21. Review status: criteria provided, single submitter. Criteria: Ambry Variant Classification Scheme 2023. Collection method: clinical testing. Allele origin: germline.
Comment: The p.F762L variant (also known as c.2284T>C), located in coding exon 17 of the LAMA4 gene, results from a T to C substitution at nucleotide position 2284. The phenylalanine at codon 762 is replaced by leucine, an amino acid with highly similar properties. This amino acid position is well conserved in available vertebrate species. In addition, this alteration is predicted to be tolerated by in silico analysis. Since supporting evidence is limited at this time, the clinical significance of this alteration remains unclear.

Genome Diagnostics Laboratory, University Medical Center Utrecht
Classification: Uncertain significance for Dilated cardiomyopathy 1JJ. Last evaluated: 2017-05-15. Review status: criteria provided, single submitter. Criteria: ACGS Guidelines, 2013. Collection method: clinical testing. Allele origin: germline. Affected: yes. Study: VKGL Data-share Consensus.

Clinical Genetics, Academic Medical Center
Classification: Uncertain significance. Review status: no assertion criteria provided. Collection method: clinical testing. Allele origin: germline. Affected: yes. Study: VKGL Data-share Consensus. Not counted in ClinVar's aggregate classification.

Diagnostic Laboratory, Department of Genetics, University Medical Center Groningen
Classification: Uncertain significance for Dilated cardiomyopathy 1JJ. Review status: no assertion criteria provided. Collection method: clinical testing. Allele origin: germline. Affected: yes. Study: VKGL Data-share Consensus. Not counted in ClinVar's aggregate classification.